The following is an entry in ClinVar:

NM_001308093.3(GATA4):c.316C>G (p.Pro106Ala)

Gene: GATA4 (GATA binding protein 4). Cytogenetic location: 8p23.1.
Variant type: single nucleotide variant.
Coding change: c.316C>G on transcript NM_001308093.3 (MANE Select); coding-DNA position 316, C replaced by G.
Protein change: p.Pro106Ala; replaces proline 106 with alanine.
Molecular consequence: missense variant. On other transcripts: intron variant (3).
Genome position (GRCh38, 1-based): chr8:11,708,628, C>G. VCF-style: chr8-11708628-C-G. GRCh37 (hg19) VCF-style: chr8-11566137-C-G.
Other names: c.316C>G, p.Pro106Ala (NM_002052.5); c.-6+7850C>G (NM_001308094.2); c.-3+614C>G (NM_001374274.1); c.-3+4324C>G (NM_001374273.1); short protein forms P106A.
Identifiers: ClinVar variation 1507637 (VCV001507637.6), dbSNP rs2130069427, ClinGen allele CA370309373.

ClinVar aggregate classification (germline): Uncertain significance (1 of 4 stars; one submission).

Conditions:
Atrioventricular septal defect 4 (AVSD4). Identifiers: MedGen C3280781, MONDO:0013747, OMIM 614430.

Submission:

Labcorp Genetics (formerly Invitae), Labcorp
Classification: Uncertain significance for Atrioventricular septal defect 4. Last evaluated: 2021-08-12. Review status: criteria provided, single submitter. Criteria: Invitae Variant Classification Sherloc (09022015). Collection method: clinical testing. Allele origin: germline.
Comment: Algorithms developed to predict the effect of missense changes on protein structure and function (SIFT, PolyPhen-2, Align-GVGD) all suggest that this variant is likely to be tolerated. In summary, the available evidence is currently insufficient to determine the role of this variant in disease. Therefore, it has been classified as a Variant of Uncertain Significance. This variant has not been reported in the literature in individuals affected with GATA4-related conditions. The frequency data for this variant in the population databases is considered unreliable, as metrics indicate insufficient coverage at this position in the ExAC database. This sequence change replaces proline with alanine at codon 106 of the GATA4 protein (p.Pro106Ala). The proline residue is moderately conserved and there is a small physicochemical difference between proline and alanine.